The following is an entry in ClinVar:

NM_144997.7(FLCN):c.669_671delinsGCACAGCGTGCTCAG (p.Asn223_Thr224delinsLysHisSerValLeuArg)

Gene: FLCN (folliculin; minus strand). Cytogenetic location: 17p11.2.
Variant type: Indel.
Coding change: c.669_671delinsGCACAGCGTGCTCAG on transcript NM_144997.7 (MANE Select); coding-DNA positions 669 to 671, CAC replaced by GCACAGCGTGCTCAG.
Protein change: p.Asn223_Thr224delinsLysHisSerValLeuArg.
Molecular consequence: inframe indel.
Genome position (GRCh38, 1-based): chr17:17,222,609-17,222,611, GTG replaced by CTGAGCACGCTGTGC on the plus strand (CAC replaced by GCACAGCGTGCTCAG on the coding strand, the reverse complement: FLCN is on the minus strand). VCF-style: chr17-17222609-GTG-CTGAGCACGCTGTGC. GRCh37 (hg19) VCF-style: chr17-17125923-GTG-CTGAGCACGCTGTGC.
Other names: c.723_725delinsGCACAGCGTGCTCAG, p.Asn241_Thr242delinsLysHisSerValLeuArg (NM_001353229.2); c.669_671delinsGCACAGCGTGCTCAG, p.Asn223_Thr224delinsLysHisSerValLeuArg (NM_001353230.2, NM_001353231.2, NM_144606.7).
Identifiers: ClinVar variation 826553 (VCV000826553.4), dbSNP rs1597602427, ClinGen allele CA915949604.

ClinVar aggregate classification (germline): Uncertain significance (1 of 4 stars; one submission).

Conditions:
Hereditary cancer-predisposing syndrome. Also called: Neoplastic Syndromes, Hereditary; Tumor predisposition; Hereditary neoplastic syndrome; Hereditary Cancer Syndrome. Identifiers: Orphanet 140162, MedGen C0027672, MeSH D009386, MONDO:0015356.

Submission:

Ambry Genetics
Classification: Uncertain significance for Hereditary cancer-predisposing syndrome. Last evaluated: 2019-09-27. Review status: criteria provided, single submitter. Criteria: Ambry Variant Classification Scheme 2023. Collection method: clinical testing. Allele origin: germline.
Comment: The p.N223_T224delinsKHSVLR variant (also known as c.669_671delCACins15), located in coding exon 4 of the FLCN gene, results from an in-frame deletion of CAC and insertion of 15 nucleotides at nucleotide positions 669 to 671. This results in the substitution of NT residues for KHSVLR residues at codons 223 and 224. These amino acid positions are well conserved in available vertebrate species. In addition, this alteration is predicted to be deleterious by in silico analysis (Choi Y et al. PLoS ONE. 2012; 7(10):e46688). Since supporting evidence is limited at this time, the clinical significance of this alteration remains unclear.